The following is an entry in ClinVar:

ClinVar aggregate classification (germline): Uncertain significance (1 of 4 stars; one submission).

Allele frequency attached by ClinVar (database versions not stated): gnomAD exomes below 0.00001 and 0.00001; ExAC 0.00001; gnomAD 0.00001; TOPMed 0.00001.
gnomAD v4.1: 3 of 1,613,802 alleles (0.00019%); highest among the groups gnomAD compares: Admixed American, 0.0017%; no homozygotes.

Submission:

Labcorp Genetics (formerly Invitae), Labcorp
Classification: Uncertain significance. Last evaluated: 2022-07-12. Review status: criteria provided, single submitter. Criteria: Invitae Variant Classification Sherloc (09022015). Collection method: clinical testing. Allele origin: germline.
Comment: This sequence change replaces leucine, which is neutral and non-polar, with phenylalanine, which is neutral and non-polar, at codon 262 of the GNPTG protein (p.Leu262Phe). This variant is present in population databases (rs754237014, gnomAD 0.007%). This variant has not been reported in the literature in individuals affected with GNPTG-related conditions. ClinVar contains an entry for this variant (Variation ID: 1393372). Algorithms developed to predict the effect of missense changes on protein structure and function are either unavailable or do not agree on the potential impact of this missense change (SIFT: "Deleterious"; PolyPhen-2: "Possibly Damaging"; Align-GVGD: "Class C0"). In summary, the available evidence is currently insufficient to determine the role of this variant in disease. Therefore, it has been classified as a Variant of Uncertain Significance.

NM_032520.5(GNPTG):c.786G>C (p.Leu262Phe)

Gene: GNPTG (N-acetylglucosamine-1-phosphate transferase subunit gamma; plus strand). Cytogenetic location: 16p13.3.
Variant type: single nucleotide variant.
Coding change: c.786G>C on transcript NM_032520.5 (MANE Select); coding-DNA position 786, G replaced by C.
Protein change: p.Leu262Phe; replaces leucine 262 with phenylalanine.
Molecular consequence: missense variant.
Genome position (GRCh38, 1-based): chr16:1,362,869, G>C. VCF-style: chr16-1362869-G-C. GRCh37 (hg19) VCF-style: chr16-1412870-G-C.
Other names: short protein forms L262F.
Identifiers: ClinVar variation 1393372 (VCV001393372.3), dbSNP rs754237014, ClinGen allele CA7807950.